The following is an entry in ClinVar:

NM_000059.4(BRCA2):c.4739G>A (p.Cys1580Tyr)

Gene: BRCA2 (BRCA2 DNA repair associated; plus strand). Cytogenetic location: 13q13.1.
Variant type: single nucleotide variant.
Coding change: c.4739G>A on transcript NM_000059.4 (MANE Select); coding-DNA position 4739, G replaced by A.
Protein change: p.Cys1580Tyr; replaces cysteine 1580 with tyrosine.
Molecular consequence: missense variant.
Genome position (GRCh38, 1-based): chr13:32,339,094, G>A. VCF-style: chr13-32339094-G-A. GRCh37 (hg19) VCF-style: chr13-32913231-G-A.
Other names: C1580Y; 4967G>A.
Identifiers: ClinVar variation 91824 (VCV000091824.14), dbSNP rs398122784, ClinGen allele CA020733.
Genomic context (GRCh38, chr13:32,339,094, plus strand): 5'-GCCATCAATGGGCAAAGACCCTAAAGTACAGAGAGGCCTGTAAAGACCTTGAATTAGCAT[G>A]TGAGACCATTGAGATCACAGCTGCCCCAAAGTGTAAAGAAATGCAGAATTCTCTCAATAA-3'
Protein context (NP_000050.3, residues 1570-1590): REACKDLELA[Cys1580Tyr]ETIEITAAPK

ClinVar aggregate classification (germline): Conflicting classifications of pathogenicity. Review status: criteria provided, conflicting classifications (1 of 4 stars). 4 submissions from 4 submitters: Uncertain significance (2); Likely benign (1). 1 of the submissions does not count toward it. Last evaluated 2023-03-23.

Conditions:
Hereditary cancer-predisposing syndrome. Also called: Tumor predisposition; Hereditary Cancer Syndrome; Neoplastic Syndromes, Hereditary; Hereditary neoplastic syndrome. Identifiers: Orphanet 140162, MedGen C0027672, MeSH D009386, MONDO:0015356.
Hereditary breast ovarian cancer syndrome. Also called: Breast and ovarian cancer; Hereditary breast and ovarian cancer; Hereditary breast and ovarian cancer syndrome; BRCA1- and BRCA2-Associated Hereditary Breast and Ovarian Cancer; Hereditary breast and ovarian cancer syndrome (HBOC); Hereditary breast and/or ovarian cancer syndrome. Identifiers: Orphanet 145, MedGen C0677776, MeSH D061325, MONDO:0003582. Disease mechanism: loss of function.
Breast-ovarian cancer, familial, susceptibility to, 2 (BROVCA2). Also called: BRCA2 Hereditary Breast and Ovarian Cancer. Identifiers: Orphanet 145, MedGen C2675520, MONDO:0012933, OMIM 612555. Disease mechanism: loss of function.

Submissions (4):

University of Washington Department of Laboratory Medicine, University of Washington
Classification: Likely benign for Hereditary cancer-predisposing syndrome. Last evaluated: 2023-03-23. Review status: criteria provided, single submitter. Criteria: Dines et al. (Genet Med. 2020). Collection method: curation. Allele origin: germline.
Comment: Missense variant in a coldspot region where missense variants are very unlikely to be pathogenic (PMID:31911673).

BRCA2 exon 11 coldspot. Reclassification based on statistical prior probability.

GeneDx
Classification: Uncertain significance. Last evaluated: 2021-06-23. Review status: criteria provided, single submitter. Criteria: GeneDx Variant Classification Process June 2021. Collection method: clinical testing. Allele origin: germline. Affected: yes.
Comment: Not observed at significant frequency in large population cohorts (Lek 2016); In silico analysis supports that this missense variant has a deleterious effect on protein structure/function; Has not been previously published as germline pathogenic or benign to our knowledge; Also known as 4967G>A; This variant is associated with the following publications: (PMID: 11948477, 27535533)

Labcorp Genetics (formerly Invitae), Labcorp
Classification: Uncertain significance for Hereditary breast ovarian cancer syndrome. Last evaluated: 2020-05-29. Review status: criteria provided, single submitter. Criteria: Invitae Variant Classification Sherloc (09022015). Collection method: clinical testing. Allele origin: germline.
Comment: This variant is not present in population databases (ExAC no frequency). This sequence change replaces cysteine with tyrosine at codon 1580 of the BRCA2 protein (p.Cys1580Tyr). The cysteine residue is moderately conserved and there is a large physicochemical difference between cysteine and tyrosine. In summary, the available evidence is currently insufficient to determine the role of this variant in disease. Therefore, it has been classified as a Variant of Uncertain Significance. Algorithms developed to predict the effect of missense changes on protein structure and function output the following: SIFT: "Tolerated"; PolyPhen-2: "Benign"; Align-GVGD: "Class C0". The tyrosine amino acid residue is found in multiple mammalian species, suggesting that this missense change does not adversely affect protein function. These predictions have not been confirmed by published functional studies and their clinical significance is uncertain. This variant has not been reported in the literature in individuals with BRCA2-related conditions. ClinVar contains an entry for this variant (Variation ID: 91824).

Sharing Clinical Reports Project (SCRP)
Classification: Uncertain significance for Breast-ovarian cancer, familial 2. Last evaluated: 2008-06-17. Review status: no assertion criteria provided. Collection method: clinical testing. Allele origin: germline. Not counted in ClinVar's aggregate classification.